The following is an entry in ClinVar:

NM_006648.4(WNK2):c.1265A>G (p.His422Arg)

Gene: WNK2 (WNK lysine deficient protein kinase 2; plus strand). Cytogenetic location: 9q22.31.
Variant type: single nucleotide variant.
Coding change: c.1265A>G on transcript NM_006648.4 (MANE Select); coding-DNA position 1265, A replaced by G.
Protein change: p.His422Arg; replaces histidine 422 with arginine.
Molecular consequence: missense variant.
Genome position (GRCh38, 1-based): chr9:93,238,264, A>G. VCF-style: chr9-93238264-A-G. GRCh37 (hg19) VCF-style: chr9-96000546-A-G.
Other names: c.1265A>G, p.His422Arg (NM_001282394.3); short protein forms H422R.
Identifiers: ClinVar variation 3981682 (VCV003981682.1).

ClinVar aggregate classification (germline): Uncertain significance (1 of 4 stars; one submission).

Submission:

Ambry Genetics
Classification: Uncertain significance. Last evaluated: 2025-03-20. Review status: criteria provided, single submitter. Criteria: Ambry Variant Classification Scheme 2023. Collection method: clinical testing. Allele origin: germline.
Comment: The p.H422R variant (also known as c.1265A>G), located in coding exon 5 of the WNK2 gene, results from an A to G substitution at nucleotide position 1265. The histidine at codon 422 is replaced by arginine, an amino acid with highly similar properties. This amino acid position is conserved. In addition, this alteration is predicted to be tolerated by in silico analysis. Based on the available evidence, the clinical significance of this variant remains unclear.